The following is an entry in ClinVar:

NM_000051.4(ATM):c.6206A>G (p.Gln2069Arg)

Genes: ATM (ATM serine/threonine kinase; plus strand), C11orf65 (chromosome 11 open reading frame 65; minus strand). Cytogenetic location: 11q22.3.
Variant type: single nucleotide variant.
Coding change: c.6206A>G on transcript NM_000051.4 (MANE Select); coding-DNA position 6206, A replaced by G.
Protein change: p.Gln2069Arg; replaces glutamine 2069 with arginine.
Molecular consequence: missense variant. On other transcripts: intron variant (2).
Genome position (GRCh38, 1-based): chr11:108,317,380, A>G. VCF-style: chr11-108317380-A-G. GRCh37 (hg19) VCF-style: chr11-108188107-A-G.
Other names: c.6206A>G, p.Gln2069Arg (NM_001351834.2); c.641-8309T>C (NM_001330368.2); c.*39-8309T>C (NM_001351110.2); short protein forms Q2069R.
Identifiers: ClinVar variation 826248 (VCV000826248.8), dbSNP rs1591789003, ClinGen allele CA382551044.

ClinVar aggregate classification (germline): Uncertain significance. Review status: criteria provided, single submitter (1 of 4 stars). 2 submissions from 2 submitters: Uncertain significance (1). 1 of the submissions does not count toward it. Last evaluated 2024-09-16.

Conditions:
Hereditary cancer-predisposing syndrome. Also called: Tumor predisposition; Neoplastic Syndromes, Hereditary; Hereditary Cancer Syndrome; Hereditary neoplastic syndrome. Identifiers: Orphanet 140162, MedGen C0027672, MeSH D009386, MONDO:0015356.
Ataxia-telangiectasia syndrome (AT). Also called: ATAXIA-TELANGIECTASIA, COMPLEMENTATION GROUP A; ATAXIA-TELANGIECTASIA, FRESNO VARIANT; Ataxia-telangiectasia; Ataxia-telangiectasia, complementation group D; AT, COMPLEMENTATION GROUP C; Ataxia-telangiectasia, complementation group E. Identifiers: Orphanet 100, MedGen C0004135, MONDO:0008840, OMIM 208900.

Submissions (2):

Ambry Genetics
Classification: Uncertain significance for Hereditary cancer-predisposing syndrome. Last evaluated: 2024-09-16. Review status: criteria provided, single submitter. Criteria: Ambry Variant Classification Scheme 2023. Collection method: clinical testing. Allele origin: germline.
Comment: The p.Q2069R variant (also known as c.6206A>G), located in coding exon 42 of the ATM gene, results from an A to G substitution at nucleotide position 6206. The glutamine at codon 2069 is replaced by arginine, an amino acid with highly similar properties. This amino acid position is highly conserved in available vertebrate species. In addition, the in silico prediction for this alteration is inconclusive. Based on the available evidence, the clinical significance of this variant remains unclear.

Natera, Inc.
Classification: Uncertain significance for Ataxia-telangiectasia. Last evaluated: 2021-07-02. Review status: no assertion criteria provided. Collection method: clinical testing. Allele origin: germline. Not counted in ClinVar's aggregate classification.